The following is an entry in ClinVar:

NM_000138.5(FBN1):c.6380A>G (p.Asp2127Gly)

Gene: FBN1 (fibrillin 1; minus strand). Cytogenetic location: 15q21.1.
Variant type: single nucleotide variant.
Coding change: c.6380A>G on transcript NM_000138.5 (MANE Select); coding-DNA position 6380, A replaced by G.
Protein change: p.Asp2127Gly; replaces aspartic acid 2127 with glycine.
Molecular consequence: missense variant.
Genome position (GRCh38, 1-based): chr15:48,437,077, T>C on the plus strand (A>G on the coding strand, the complement: FBN1 is on the minus strand). VCF-style: chr15-48437077-T-C. GRCh37 (hg19) VCF-style: chr15-48729274-T-C.
Other names: short protein forms D2127G.
Identifiers: ClinVar variation 1299642 (VCV001299642.1), dbSNP rs2141240523, ClinGen allele CA392336721.

ClinVar aggregate classification (germline): Likely pathogenic (1 of 4 stars; one submission).

Conditions:
Marfan syndrome (MFS). Also called: Marfan syndrome type 1; Marfan's syndrome; FBN1-Related Marfan Syndrome; MARFAN SYNDROME, TYPE I; Marfan syndrome, classic. Identifiers: Orphanet 284963, Orphanet 558, MedGen C0024796, MONDO:0007947, OMIM 154700.

Submission:

Laboratory of Medical Genetics, National & Kapodistrian University of Athens
Classification: Likely pathogenic for Marfan syndrome. Last evaluated: 2021-10-01. Review status: criteria provided, single submitter. Criteria: ACMG Guidelines, 2015. Collection method: clinical testing. Allele origin: unknown. Affected: yes.
Comment: PM1, PM2, PM5, PP3

Literature cited by the submitters: PubMed 34008892.